The following is an entry in ClinVar:

NM_024928.5(STN1):c.614C>T (p.Thr205Met)

Gene: STN1 (STN1 subunit of CST complex; minus strand). Cytogenetic location: 10q24.33.
Variant type: single nucleotide variant.
Coding change: c.614C>T on transcript NM_024928.5 (MANE Select); coding-DNA position 614, C replaced by T.
Protein change: p.Thr205Met; replaces threonine 205 with methionine.
Molecular consequence: missense variant.
Genome position (GRCh38, 1-based): chr10:103,897,687, G>A on the plus strand (C>T on the coding strand, the complement: STN1 is on the minus strand). VCF-style: chr10-103897687-G-A. GRCh37 (hg19) VCF-style: chr10-105657445-G-A.
Other names: short protein forms T205M.
Identifiers: ClinVar variation 1927547 (VCV001927547.2), dbSNP rs1416450981, ClinGen allele CA378045625.

ClinVar aggregate classification (germline): Uncertain significance (1 of 4 stars; one submission).

Allele frequency attached by ClinVar (database versions not stated): TOPMed 0.00001.
gnomAD v4.1: 9 of 1,614,194 alleles (0.00056%); highest among the groups gnomAD compares: East Asian, 0.0022%; no homozygotes.

Submission:

Labcorp Genetics (formerly Invitae), Labcorp
Classification: Uncertain significance. Last evaluated: 2022-03-27. Review status: criteria provided, single submitter. Criteria: Invitae Variant Classification Sherloc (09022015). Collection method: clinical testing. Allele origin: germline.
Comment: This sequence change replaces threonine, which is neutral and polar, with methionine, which is neutral and non-polar, at codon 205 of the STN1 protein (p.Thr205Met). This variant is present in population databases (no rsID available, gnomAD 0.003%). This variant has not been reported in the literature in individuals affected with STN1-related conditions. Algorithms developed to predict the effect of missense changes on protein structure and function are either unavailable or do not agree on the potential impact of this missense change (SIFT: "Deleterious"; PolyPhen-2: "Probably Damaging"; Align-GVGD: "Class C0"). In summary, the available evidence is currently insufficient to determine the role of this variant in disease. Therefore, it has been classified as a Variant of Uncertain Significance.